The following is an entry in ClinVar:

NM_001009944.3(PKD1):c.974A>G (p.Tyr325Cys)

Gene: PKD1 (polycystin 1, transient receptor potential channel interacting; minus strand). Cytogenetic location: 16p13.3.
Variant type: single nucleotide variant.
Coding change: c.974A>G on transcript NM_001009944.3 (MANE Select); coding-DNA position 974, A replaced by G.
Protein change: p.Tyr325Cys; replaces tyrosine 325 with cysteine.
Molecular consequence: missense variant.
Genome position (GRCh38, 1-based): chr16:2,118,018, T>C on the plus strand (A>G on the coding strand, the complement: PKD1 is on the minus strand). VCF-style: chr16-2118018-T-C. GRCh37 (hg19) VCF-style: chr16-2168019-T-C.
Other names: c.974A>G, p.Tyr325Cys (NM_000296.4); short protein forms Y325C.
Identifiers: ClinVar variation 636675 (VCV000636675.14), dbSNP rs1232180956, ClinGen allele CA394393654.
Genomic context (GRCh38, chr16:2,118,018, plus strand): 5'-AGGGCTGAGCCGGCCCCCAGGGCCAGCACGGCCGTCACGTGATAGCGCCCAGGCAGCACA[T>C]AGCGATGCGAGGCAGCCGGCCCAGCGGCATCCACCTCGGCGGAGCCGTCTCCGAAGTCCC-3'
Protein context (NP_001009944.3, residues 315-335): DAAGPAASHR[Tyr325Cys]VLPGRYHVTA

ClinVar aggregate classification (germline): Conflicting classifications of pathogenicity. Review status: criteria provided, conflicting classifications (1 of 4 stars). 11 submissions from 11 submitters: Pathogenic (3); Likely pathogenic (5); Uncertain significance (2). 1 of the submissions does not count toward it. Last evaluated 2026-07-16.

Conditions:
Polycystic kidney disease. Also called: Polycystic kidney dysplasia; Kidney, Polycystic. Identifiers: MedGen C0022680, MeSH D007690, MONDO:0020642, HP:0000113.
PKD1-related disorder. Also called: PKD1-related condition.
Polycystic kidney disease, adult type (PKD1). Also called: POLYCYSTIC KIDNEY DISEASE, ADULT, TYPE I; Polycystic Kidney, Autosomal Dominant; Polycystic Kidney Disease 1, Autosomal Dominant; Polycystic kidney disease 1; Polycystic kidney disease 1, severe; POLYCYSTIC KIDNEY DISEASE 1 WITH OR WITHOUT POLYCYSTIC LIVER DISEASE. Identifiers: MedGen C3149841, MONDO:0008263, OMIM 173900.
Biliary tract abnormality. Identifiers: MedGen C0549613, MONDO:0004868, HP:0001080.
Autosomal dominant polycystic kidney disease. Identifiers: Orphanet 730, MedGen C0085413, MONDO:0004691.

gnomAD v4.1: 1 of 1,594,368 alleles (0.000063%); highest among the groups gnomAD compares: Non-Finnish European, 0.000085%; no homozygotes.

Submissions (11):

Institute of Medical Genetics and Applied Genomics, University Hospital Tübingen
Classification: Likely pathogenic for Polycystic kidney disease, adult type. Last evaluated: 2026-07-16. Review status: criteria provided, single submitter. Criteria: ACMG Guidelines, 2015. Collection method: clinical testing. Allele origin: germline. Inheritance: Autosomal dominant inheritance. Affected: yes.

PreventionGenetics, part of Exact Sciences
Classification: Pathogenic for PKD1-related condition. Last evaluated: 2025-09-26. Review status: criteria provided, single submitter. Criteria: ACMG Guidelines, 2015. Collection method: clinical testing. Allele origin: germline.
Comment: The PKD1 c.974A>G variant is predicted to result in the amino acid substitution p.Tyr325Cys. This variant has been reported in individuals with autosomal dominant polycystic kidney disease (ADPKD) (see for example; Rossetti et al. 2007. PubMed ID: 17582161; Supp. Table S5, Audrézet et al. 2012. PubMed ID: 22508176; Supp. Table 1, Cornec-Le Gall et al. 2013. PubMed ID: 23431072; Supplementary Table 2, Nielsen et al. 2021. PubMed ID: 33639313). At PreventionGenetics, we also found this variant in multiple presumably unrelated PKD patients (internal data). This variant has not been reported in a large population database (gnomAD), indicating this variant is rare. This variant is interpreted as pathogenic.

Blueprint Genetics
Classification: Pathogenic for PKD1-related disorders. Last evaluated: 2024-11-27. Review status: criteria provided, single submitter. Criteria: ACMG Guidelines, 2015. Collection method: clinical testing. Allele origin: germline. Affected: yes. Observed: 5 variant alleles.

Molecular Genetics of Inherited Kidney Disorders Laboratory, Garvan Institute of Medical Research
Classification: Likely pathogenic for Autosomal dominant polycystic kidney disease. Last evaluated: 2024-06-05. Review status: criteria provided, single submitter. Criteria: ACMG Guidelines, 2015. Collection method: research. Allele origin: germline. Affected: yes.

Johns Hopkins Genomics, Johns Hopkins University
Classification: Likely pathogenic for Polycystic kidney disease, adult type. Last evaluated: 2024-03-07. Review status: criteria provided, single submitter. Criteria: ACMG Guidelines, 2015. Collection method: clinical testing. Allele origin: germline.
Comment: This PKD1 missense variant has been reported in several unrelated individuals with autosomal dominant polycystic kidney disease. It (rs1232180956) is rare (<0.1%) in a large population dataset (gnomADv4.0.0: 1/1442094 total alleles; 0.00007%; no homozygotes), and has been reported in ClinVar (Variation ID 636675). Two bioinformatic tools queried predict that this substitution would be damaging. The tyrosine residue at this position is evolutionarily conserved across many of the species assessed, and among the few species that have a different amino acid at this position, one has cysteine. We consider c.974A>G in PKD1 to be likely pathogenic.

GeneDx
Classification: Uncertain significance. Last evaluated: 2022-06-01. Review status: criteria provided, single submitter. Criteria: GeneDx Variant Classification Process June 2021. Collection method: clinical testing. Allele origin: germline. Affected: yes.
Comment: Not observed at significant frequency in large population cohorts (gnomAD); In silico analysis supports that this missense variant has a deleterious effect on protein structure/function; This variant is associated with the following publications: (PMID: 25475747, 17582161, 27499327, 33639313, 23431072, 22508176, 33454723)

Athena Diagnostics
Classification: Pathogenic. Last evaluated: 2021-07-22. Review status: criteria provided, single submitter. Criteria: Athena Diagnostics criteria. Collection method: clinical testing. Allele origin: unknown.
Comment: This variant has not been reported in large, multi-ethnic general populations. This variant has been identified in multiple unrelated individuals with clinical features associated with this gene. This variant associates with disease in multiple families. This variant occurs as the most likely explanation for disease in a significant number of internal cases, suggesting this variant is associated with disease. The variant is located in a region that is typically not considered important for protein function and/or structure. Computational tools predict that this variant is pathogenic.

Cavalleri Lab, Royal College of Surgeons in Ireland
Classification: Uncertain significance for Polycystic kidney disease, adult type. Last evaluated: 2020-02-05. Review status: criteria provided, single submitter. Criteria: ACMG Guidelines, 2015. Collection method: research. Allele origin: unknown. Inheritance: Autosomal dominant inheritance. Affected: yes.
Comment: PM2, PP3, PP4, PP5

Cambridge Genomics Laboratory, East Genomic Laboratory Hub, NHS Genomic Medicine Service
Classification: Likely pathogenic for Biliary tract abnormality. Last evaluated: 2019-09-13. Review status: criteria provided, single submitter. Criteria: ACGS Best Practice Guidelines for Variant Classification in Rare Disease 2020. Collection method: clinical testing. Allele origin: germline. Affected: yes. Observed: 1 variant allele.

Juno Genomics, Hangzhou Juno Genomics, Inc
Classification: Likely pathogenic for Polycystic kidney disease, adult type. Review status: criteria provided, single submitter. Criteria: ACMG Guidelines, 2015. Collection method: clinical testing. Allele origin: germline. Affected: yes.
Comment: Absent from controls (or at extremely low frequency if recessive) in Genome Aggregation Database, Exome Sequencing Project, 1000 Genomes Project, or Exome Aggregation Consortium.;The prevalence of the variant in affected individuals is significantly increased compared to the prevalence in controls.;Patient's phenotype or family history is highly specific for a disease with a single genetic etiology.

Department of Pathology and Laboratory Medicine, Sinai Health System
Classification: Uncertain significance for Polycystic Kidney disease. Review status: no assertion criteria provided. Collection method: clinical testing. Allele origin: unknown. Affected: yes. Study: The Canadian Open Genetics Repository (COGR). Not counted in ClinVar's aggregate classification.
Comment: The PKD1 p.Tyr325Cys variant was identified in 7 of 3286 proband chromosomes (frequency: 0.002) from individuals or families with ADPKD (AudrâˆšÂ©zet 2012, Rossetti 2007, Cornec-Le Gall 2013). The variant was also identified in LOVD 3.0 (1x), and in the ADPKD Mutation Database (as Highly Likely Pathogenic). The variant was not identified in dbSNP, ClinVar, or PKD1-LOVD. The variant was not identified in the following control databases: the Exome Aggregation Consortium (August 8th 2016), or the Genome Aggregation Database (Feb 27, 2017). The p.Tyr325 residue is not conserved in mammals and computational analyses (PolyPhen-2, SIFT, AlignGVGD, BLOSUM, MutationTaster) provide inconsistent predictions regarding the impact to the protein; this information is not very predictive of pathogenicity. The variant occurs outside of the splicing consensus sequence and in silico or computational prediction software programs (SpliceSiteFinder, MaxEntScan, NNSPLICE, GeneSplicer) do not predict a difference in splicing. In summary, based on the above information the clinical significance of this variant cannot be determined with certainty at this time. This variant is classified as a variant of uncertain significance.

Literature cited by the submitters: PubMed 17582161 (cited by Johns Hopkins Genomics, Johns Hopkins University and Athena Diagnostics); PubMed 22508176 (cited by Johns Hopkins Genomics, Johns Hopkins University and Athena Diagnostics); PubMed 23431072 (cited by Johns Hopkins Genomics, Johns Hopkins University and Athena Diagnostics); PubMed 25475747 (cited by Johns Hopkins Genomics, Johns Hopkins University and Athena Diagnostics); PubMed 27499327 (cited by Johns Hopkins Genomics, Johns Hopkins University and Athena Diagnostics); PubMed 30989420 (cited by Johns Hopkins Genomics, Johns Hopkins University); PubMed 32398770 (cited by Johns Hopkins Genomics, Johns Hopkins University); PubMed 32457805 (cited by Johns Hopkins Genomics, Johns Hopkins University); PubMed 33454723 (cited by Johns Hopkins Genomics, Johns Hopkins University); PubMed 33555573 (cited by Johns Hopkins Genomics, Johns Hopkins University and Athena Diagnostics); PubMed 33639313 (cited by Johns Hopkins Genomics, Johns Hopkins University); PubMed 35778421 (cited by Johns Hopkins Genomics, Johns Hopkins University); PubMed 37909612 (cited by Johns Hopkins Genomics, Johns Hopkins University).